The following is an entry in ClinVar:

ClinVar aggregate classification (germline): Likely benign. Review status: criteria provided, multiple submitters, no conflicts (2 of 4 stars). 3 submissions from 3 submitters: Likely benign (3). Last evaluated 2025-12-30.

Conditions:
IMPDH1-related disorder. Also called: IMPDH1-related condition; IMPDH1-related disorders.

Allele frequency attached by ClinVar (database versions not stated): gnomAD exomes 0.00001 and 0.00009; ESP Exome Variant Server 0.00008; gnomAD 0.00008 and 0.00009; TOPMed 0.00009; ExAC 0.00011.
gnomAD v4.1: 35 of 1,612,760 alleles (0.0022%); highest among the groups gnomAD compares: East Asian, 0.045%; no homozygotes.

Submissions (3):

PreventionGenetics, part of Exact Sciences
Classification: Likely benign for IMPDH1-related condition. Last evaluated: 2025-12-30. Review status: criteria provided, single submitter. Criteria: ACMG Guidelines, 2015. Collection method: clinical testing. Allele origin: germline.
Comment: This variant is classified as likely benign based on ACMG/AMP sequence variant interpretation guidelines (Richards et al. 2015 PMID: 25741868, with internal and published modifications).

Labcorp Genetics (formerly Invitae), Labcorp
Classification: Likely benign. Last evaluated: 2025-06-23. Review status: criteria provided, single submitter. Criteria: Invitae Variant Classification Sherloc (09022015). Collection method: clinical testing. Allele origin: germline.

Blueprint Genetics
Classification: Likely benign. Last evaluated: 2024-04-15. Review status: criteria provided, single submitter. Criteria: ACMG Guidelines, 2015. Collection method: clinical testing. Allele origin: germline.

NM_000883.4(IMPDH1):c.627G>A (p.Ser209=)

Gene: IMPDH1 (inosine monophosphate dehydrogenase 1; minus strand). Cytogenetic location: 7q32.1.
Variant type: single nucleotide variant.
Coding change: c.627G>A on transcript NM_000883.4 (MANE Select); coding-DNA position 627, G replaced by A.
Protein change: p.Ser209=; no amino-acid change (serine 209 retained).
Molecular consequence: synonymous variant.
Genome position (GRCh38, 1-based): chr7:128,400,492, C>T on the plus strand (G>A on the coding strand, the complement: IMPDH1 is on the minus strand). VCF-style: chr7-128400492-C-T. GRCh37 (hg19) VCF-style: chr7-128040546-C-T.
Other names: c.597G>A, p.Ser199= (NM_001102605.2); c.372G>A, p.Ser124= (NM_001142573.2); c.357G>A, p.Ser119= (NM_001142574.2); c.297G>A, p.Ser99= (NM_001142575.2); c.528G>A, p.Ser176= (NM_001142576.2); c.420G>A, p.Ser140= (NM_001304521.2); c.519G>A, p.Ser173= (NM_183243.3).
Identifiers: ClinVar variation 739043 (VCV000739043.10), dbSNP rs376092198, ClinGen allele CA4471091.